The following is an entry in ClinVar:

ClinVar aggregate classification (germline): Uncertain significance (1 of 4 stars; one submission).

Conditions:
Osteogenesis imperfecta type I (OI1). Also called: Lobstein disease; OI, TYPE I; OSTEOGENESIS IMPERFECTA TARDA; OSTEOGENESIS IMPERFECTA WITH BLUE SCLERAE; Osteogenesis imperfecta type 1; Lobstein's Disease. Identifiers: Orphanet 216796, Orphanet 666, MedGen C0023931, MONDO:0008146, OMIM 166200. Disease mechanism: loss of function.
Ehlers-Danlos syndrome, classic type, 1 (EDSCL1). Also called: EDS I; EHLERS-DANLOS SYNDROME, GRAVIS TYPE; EHLERS-DANLOS SYNDROME, SEVERE CLASSIC TYPE; Ehlers-Danlos syndrome, type 1; Ehlers-Danlos Syndrome, Classic Type, COL5A1-Related. Identifiers: MedGen C0268335, MONDO:0019567, OMIM 130000.

Submission:

Labcorp Genetics (formerly Invitae), Labcorp
Classification: Uncertain significance for Osteogenesis imperfecta type I; Ehlers-Danlos syndrome, classic type, 1. Last evaluated: 2025-02-10. Review status: criteria provided, single submitter. Criteria: Invitae Variant Classification Sherloc (09022015). Collection method: clinical testing. Allele origin: germline.
Comment: This variant, c.2329_2331del, results in the deletion of 1 amino acid(s) of the COL1A2 protein (p.Arg777del), but otherwise preserves the integrity of the reading frame. This variant is not present in population databases (gnomAD no frequency). This variant has not been reported in the literature in individuals affected with COL1A2-related conditions. ClinVar contains an entry for this variant (Variation ID: 2946512). Experimental studies and prediction algorithms are not available or were not evaluated, and the functional significance of this variant is currently unknown. In summary, the available evidence is currently insufficient to determine the role of this variant in disease. Therefore, it has been classified as a Variant of Uncertain Significance.

NM_000089.4(COL1A2):c.2329_2331del (p.Arg777del)

Gene: COL1A2 (collagen type I alpha 2 chain; plus strand). Cytogenetic location: 7q21.3.
Variant type: Deletion.
Coding change: c.2329_2331del on transcript NM_000089.4 (MANE Select); coding-DNA positions 2329 to 2331, 3 bases deleted (CGT; older notation c.2329_2331delCGT).
Protein change: p.Arg777del; deletes arginine 777.
Molecular consequence: inframe deletion.
Genome position (GRCh38, 1-based): chr7:94,421,042-94,421,044, CGT deleted; deleting any 3 consecutive bases within chr7:94,421,040-94,421,044 gives the same sequence; the c. name uses the placement nearest the transcript's 3' end. VCF-style (leftmost placement, unchanged base first): chr7-94421039-AGTC-A. GRCh37 (hg19) VCF-style: chr7-94050351-AGTC-A.
Other names: short protein forms R777del.
Identifiers: ClinVar variation 2946512 (VCV002946512.3), dbSNP rs2484726558, ClinGen allele CA2740097408.